The following is an entry in ClinVar:

NM_001292034.3(TAB2):c.1070G>C (p.Ser357Thr)

Genes: TAB2 (TGF-beta activated kinase 1 (MAP3K7) binding protein 2; plus strand), LOC126859827 (BRD4-independent group 4 enhancer GRCh37_chr6:149699707-149700906; plus strand). Cytogenetic location: 6q25.1.
Variant type: single nucleotide variant.
Coding change: c.1070G>C on transcript NM_001292034.3 (MANE Select); coding-DNA position 1070, G replaced by C.
Protein change: p.Ser357Thr; replaces serine 357 with threonine.
Molecular consequence: missense variant.
Genome position (GRCh38, 1-based): chr6:149,378,985, G>C. VCF-style: chr6-149378985-G-C. GRCh37 (hg19) VCF-style: chr6-149700121-G-C.
Other names: c.974G>C, p.Ser325Thr (NM_001292035.3); c.1070G>C, p.Ser357Thr (NM_001369506.1, NM_015093.6); c.1070G>C (NM_015093.4); short protein forms S357T, S325T.
Identifiers: ClinVar variation 1399671 (VCV001399671.9), dbSNP rs778328925, ClinGen allele CA4041483.

ClinVar aggregate classification (germline): Uncertain significance. Review status: criteria provided, multiple submitters, no conflicts (2 of 4 stars). 2 submissions from 2 submitters: Uncertain significance (2). Last evaluated 2025-10-21.

Conditions:
Inborn genetic diseases. Identifiers: MedGen C0950123, MeSH D030342.

Allele frequency attached by ClinVar (database versions not stated): gnomAD 0.00001.
gnomAD v4.1: 6 of 1,614,014 alleles (0.00037%); highest among the groups gnomAD compares: Admixed American, 0.0033%; no homozygotes.

Submissions (2):

Labcorp Genetics (formerly Invitae), Labcorp
Classification: Uncertain significance. Last evaluated: 2025-10-21. Review status: criteria provided, single submitter. Criteria: Invitae Variant Classification Sherloc (09022015). Collection method: clinical testing. Allele origin: germline.
Comment: This sequence change replaces serine, which is neutral and polar, with threonine, which is neutral and polar, at codon 357 of the TAB2 protein (p.Ser357Thr). This variant is present in population databases (rs778328925, gnomAD 0.007%). This variant has not been reported in the literature in individuals affected with TAB2-related conditions. ClinVar contains an entry for this variant (Variation ID: 1399671). Invitae Evidence Modeling of protein sequence and biophysical properties (such as structural, functional, and spatial information, amino acid conservation, physicochemical variation, residue mobility, and thermodynamic stability) indicates that this missense variant is not expected to disrupt TAB2 protein function with a negative predictive value of 80%. In summary, the available evidence is currently insufficient to determine the role of this variant in disease. Therefore, it has been classified as a Variant of Uncertain Significance.

Ambry Genetics
Classification: Uncertain significance for Inborn genetic diseases. Last evaluated: 2025-04-08. Review status: criteria provided, single submitter. Criteria: Ambry Variant Classification Scheme 2023. Collection method: clinical testing. Allele origin: germline.